The following is an entry in ClinVar:

NM_006118.4(HAX1):c.406C>T (p.His136Tyr)

Gene: HAX1 (HCLS1 associated protein X-1; plus strand). Cytogenetic location: 1q21.3.
Variant type: single nucleotide variant.
Coding change: c.406C>T on transcript NM_006118.4 (MANE Select); coding-DNA position 406, C replaced by T.
Protein change: p.His136Tyr; replaces histidine 136 with tyrosine.
Molecular consequence: missense variant.
Genome position (GRCh38, 1-based): chr1:154,273,863, C>T. VCF-style: chr1-154273863-C-T. GRCh37 (hg19) VCF-style: chr1-154246339-C-T.
Other names: c.262C>T, p.His88Tyr (NM_001018837.2); short protein forms H136Y, H88Y.
Identifiers: ClinVar variation 3524092 (VCV003524092.1).

ClinVar aggregate classification (germline): Uncertain significance (1 of 4 stars; one submission).

Conditions:
Inborn genetic diseases. Identifiers: MedGen C0950123, MeSH D030342.

gnomAD v4.1: 10 of 1,614,116 alleles (0.00062%); highest among the groups gnomAD compares: Non-Finnish European, 0.00076%; no homozygotes.

Submission:

Ambry Genetics
Classification: Uncertain significance for Inborn genetic diseases. Last evaluated: 2024-11-28. Review status: criteria provided, single submitter. Criteria: Ambry Variant Classification Scheme 2023. Collection method: clinical testing. Allele origin: germline.
Comment: The p.H136Y variant (also known as c.406C>T), located in coding exon 3 of the HAX1 gene, results from a C to T substitution at nucleotide position 406. The histidine at codon 136 is replaced by tyrosine, an amino acid with similar properties. This amino acid position is conserved. In addition, this alteration is predicted to be tolerated by in silico analysis. Based on the available evidence, the clinical significance of this variant remains unclear.